The following is an entry in ClinVar:

ClinVar aggregate classification (germline): Uncertain significance (1 of 4 stars; one submission).

Conditions:
Inborn genetic diseases. Identifiers: MedGen C0950123, MeSH D030342.

gnomAD v4.1: 1 of 1,613,990 alleles (0.000062%); highest among the groups gnomAD compares: Non-Finnish European, 0.000085%; no homozygotes.

Submission:

Ambry Genetics
Classification: Uncertain significance for Inborn genetic diseases. Last evaluated: 2024-12-16. Review status: criteria provided, single submitter. Criteria: Ambry Variant Classification Scheme 2023. Collection method: clinical testing. Allele origin: germline.
Comment: The p.K225N variant (also known as c.675A>T), located in coding exon 5 of the SBDS gene, results from an A to T substitution at nucleotide position 675. The lysine at codon 225 is replaced by asparagine, an amino acid with similar properties. This amino acid position is conserved. In addition, this alteration is predicted to be tolerated by in silico analysis. Based on the available evidence, the clinical significance of this variant remains unclear.

NM_016038.4(SBDS):c.675A>T (p.Lys225Asn)

Gene: SBDS (SBDS ribosome maturation factor; minus strand). Cytogenetic location: 7q11.21.
Variant type: single nucleotide variant.
Coding change: c.675A>T on transcript NM_016038.4 (MANE Select); coding-DNA position 675, A replaced by T.
Protein change: p.Lys225Asn; replaces lysine 225 with asparagine.
Molecular consequence: missense variant.
Genome position (GRCh38, 1-based): chr7:66,988,449, T>A on the plus strand (A>T on the coding strand, the complement: SBDS is on the minus strand). VCF-style: chr7-66988449-T-A. GRCh37 (hg19) VCF-style: chr7-66453436-T-A.
Other names: short protein forms K225N.
Identifiers: ClinVar variation 3792699 (VCV003792699.1).